The following is an entry in ClinVar:

NM_000264.5(PTCH1):c.2081A>G (p.Gln694Arg)

Genes: PTCH1 (patched 1; minus strand), LOC100507346 (uncharacterized LOC100507346; plus strand). Cytogenetic location: 9q22.32.
Variant type: single nucleotide variant.
Coding change: c.2081A>G on transcript NM_000264.5 (MANE Select); coding-DNA position 2081, A replaced by G.
Protein change: p.Gln694Arg; replaces glutamine 694 with arginine.
Molecular consequence: missense variant. On other transcripts: non-coding transcript variant (2).
Genome position (GRCh38, 1-based): chr9:95,468,920, T>C on the plus strand (A>G on the coding strand, the complement: PTCH1 is on the minus strand). VCF-style: chr9-95468920-T-C. GRCh37 (hg19) VCF-style: chr9-98231202-T-C.
Other names: c.1883A>G, p.Gln628Arg (NM_001083602.3); c.2078A>G, p.Gln693Arg (NM_001083603.3); c.1628A>G, p.Gln543Arg (NM_001083604.3, NM_001083605.3, NM_001083606.3 and 1 more transcripts); c.1925A>G, p.Gln642Arg (NM_001354918.2); short protein forms Q642R, Q694R, Q543R, Q693R, Q628R.
Identifiers: ClinVar variation 1785565 (VCV001785565.2), dbSNP rs2118039373, ClinGen allele CA374115701.

ClinVar aggregate classification (germline): Uncertain significance (1 of 4 stars; one submission).

Conditions:
Hereditary cancer-predisposing syndrome. Also called: Neoplastic Syndromes, Hereditary; Tumor predisposition; Hereditary Cancer Syndrome; Hereditary neoplastic syndrome. Identifiers: Orphanet 140162, MedGen C0027672, MeSH D009386, MONDO:0015356.

Submission:

Ambry Genetics
Classification: Uncertain significance for Hereditary cancer-predisposing syndrome. Last evaluated: 2022-01-12. Review status: criteria provided, single submitter. Criteria: Ambry Variant Classification Scheme 2023. Collection method: clinical testing. Allele origin: germline.
Comment: The p.Q694R variant (also known as c.2081A>G), located in coding exon 14 of the PTCH1 gene, results from an A to G substitution at nucleotide position 2081. The glutamine at codon 694 is replaced by arginine, an amino acid with highly similar properties. This amino acid position is conserved. In addition, this alteration is predicted to be tolerated by in silico analysis. Since supporting evidence is limited at this time, the clinical significance of this alteration remains unclear.